The following is an entry in ClinVar:

NM_032383.5(HPS3):c.2078A>G (p.His693Arg)

Gene: HPS3 (HPS3 biogenesis of lysosomal organelles complex 2 subunit 1; plus strand). Cytogenetic location: 3q24.
Variant type: single nucleotide variant.
Coding change: c.2078A>G on transcript NM_032383.5 (MANE Select); coding-DNA position 2078, A replaced by G.
Protein change: p.His693Arg; replaces histidine 693 with arginine.
Molecular consequence: missense variant.
Genome position (GRCh38, 1-based): chr3:149,160,251, A>G. VCF-style: chr3-149160251-A-G. GRCh37 (hg19) VCF-style: chr3-148878038-A-G.
Other names: c.1583A>G, p.His528Arg (NM_001308258.2); short protein forms H693R, H528R.
Identifiers: ClinVar variation 976638 (VCV000976638.6), dbSNP rs759772353, ClinGen allele CA2660228.
Genomic context (GRCh38, chr3:149,160,251, plus strand): 5'-CGATCTTAGTGACATTGACCAAGGCAGCAGTGGCTCTGAAAATGGGAGATCTTGACATGC[A>G]CAGAAATGAAATGAAAAGCCATTCAGAGGTATGGAGCTCTGCCCGGTGCTAACAGAAGGC-3'
Protein context (NP_115759.2, residues 683-703): VALKMGDLDM[His693Arg]RNEMKSHSEM

ClinVar aggregate classification (germline): Uncertain significance. Review status: criteria provided, multiple submitters, no conflicts (2 of 4 stars). 2 submissions from 2 submitters: Uncertain significance (2). Last evaluated 2022-10-19.

Conditions:
Hermansky-Pudlak syndrome 3 (HPS3). Identifiers: Orphanet 231512, Orphanet 79430, MedGen C3888001, MONDO:0013555, OMIM 614072.

Allele frequency attached by ClinVar (database versions not stated): ExAC 0.00001; gnomAD 0.00001; gnomAD exomes 0.00002; TOPMed 0.00002.
gnomAD v4.1: 10 of 1,613,452 alleles (0.00062%); highest among the groups gnomAD compares: Admixed American, 0.0067%; no homozygotes.

Submissions (2):

Labcorp Genetics (formerly Invitae), Labcorp
Classification: Uncertain significance. Last evaluated: 2022-10-19. Review status: criteria provided, single submitter. Criteria: Invitae Variant Classification Sherloc (09022015). Collection method: clinical testing. Allele origin: germline.
Comment: This sequence change replaces histidine, which is basic and polar, with arginine, which is basic and polar, at codon 693 of the HPS3 protein (p.His693Arg). This variant is present in population databases (rs759772353, gnomAD 0.009%). This variant has not been reported in the literature in individuals affected with HPS3-related conditions. ClinVar contains an entry for this variant (Variation ID: 976638). Advanced modeling of protein sequence and biophysical properties (such as structural, functional, and spatial information, amino acid conservation, physicochemical variation, residue mobility, and thermodynamic stability) performed at Invitae indicates that this missense variant is not expected to disrupt HPS3 protein function. In summary, the available evidence is currently insufficient to determine the role of this variant in disease. Therefore, it has been classified as a Variant of Uncertain Significance.

Illumina Laboratory Services, Illumina
Classification: Uncertain significance for Hermansky-Pudlak syndrome 3. Last evaluated: 2018-01-12. Review status: criteria provided, single submitter. Criteria: ICSL Variant Classification Criteria 13 December 2019. Collection method: clinical testing. Allele origin: germline.